The following is an entry in ClinVar:

ClinVar aggregate classification (germline): Uncertain significance (1 of 4 stars; one submission).

Conditions:
FGFR2-related craniosynostosis. Identifiers: MedGen CN231480.

gnomAD v4.1: 68 of 1,613,914 alleles (0.0042%); highest among the groups gnomAD compares: Non-Finnish European, 0.0056%; no homozygotes.

Submission:

Labcorp Genetics (formerly Invitae), Labcorp
Classification: Uncertain significance for FGFR2-related craniosynostosis. Last evaluated: 2025-11-15. Review status: criteria provided, single submitter. Criteria: Invitae Variant Classification Sherloc (09022015). Collection method: clinical testing. Allele origin: germline.
Comment: This sequence change replaces serine, which is neutral and polar, with glycine, which is neutral and non-polar, at codon 148 of the FGFR2 protein (p.Ser148Gly). This variant is present in population databases (rs772298926, gnomAD 0.0009%). This variant has not been reported in the literature in individuals affected with FGFR2-related conditions. An algorithm developed to predict the effect of missense changes on protein structure and function outputs the following: PolyPhen-2: "Benign". The glycine amino acid residue is found in multiple mammalian species, which suggests that this missense change does not adversely affect protein function. In summary, the available evidence is currently insufficient to determine the role of this variant in disease. Therefore, it has been classified as a Variant of Uncertain Significance.

NM_000141.5(FGFR2):c.442A>G (p.Ser148Gly)

Gene: FGFR2 (fibroblast growth factor receptor 2; minus strand). Cytogenetic location: 10q26.13.
Variant type: single nucleotide variant.
Coding change: c.442A>G on transcript NM_000141.5 (MANE Select); coding-DNA position 442, A replaced by G.
Protein change: p.Ser148Gly; replaces serine 148 with glycine.
Molecular consequence: missense variant. On other transcripts: intron variant (4).
Genome position (GRCh38, 1-based): chr10:121,564,514, T>C on the plus strand (A>G on the coding strand, the complement: FGFR2 is on the minus strand). VCF-style: chr10-121564514-T-C. GRCh37 (hg19) VCF-style: chr10-123324028-T-C.
Other names: c.442A>G, p.Ser148Gly (NM_001144913.1, NM_001144914.1, NM_001144917.2 and 3 more transcripts); c.175A>G, p.Ser59Gly (NM_001144915.2, NM_001144919.2, NM_001441088.1 and 2 more transcripts); c.110-13055A>G (NM_001144918.2, NM_001441091.1, NM_001441090.1 and 1 more transcripts); short protein forms S59G, S148G.
Identifiers: ClinVar variation 4751624 (VCV004751624.1).